The following is an entry in ClinVar:

NM_001146197.3(LRTM3):c.2144T>C (p.Ile715Thr)

Gene: LRTM3 (leucine rich repeat transmembrane protein 3; minus strand). Cytogenetic location: 13q33.1.
Variant type: single nucleotide variant.
Coding change: c.2144T>C on transcript NM_001146197.3 (MANE Select); coding-DNA position 2144, T replaced by C.
Protein change: p.Ile715Thr; replaces isoleucine 715 with threonine.
Molecular consequence: missense variant.
Genome position (GRCh38, 1-based): chr13:102,748,553, A>G on the plus strand (T>C on the coding strand, the complement: LRTM3 is on the minus strand). VCF-style: chr13-102748553-A-G. GRCh37 (hg19) VCF-style: chr13-103400903-A-G.
Other names: short protein forms I715T.
Identifiers: ClinVar variation 2643916 (VCV002643916.24), dbSNP rs116822868, ClinGen allele CA7039810.

ClinVar aggregate classification (germline): Likely benign (1 of 4 stars; one submission).

Allele frequency attached by ClinVar (database versions not stated): gnomAD exomes 0.00026; ExAC 0.00177; gnomAD 0.00272; ESP Exome Variant Server 0.00285; TOPMed 0.00306; 1000 Genomes Project 0.00339; 1000 Genomes Project 30x 0.00390.
gnomAD v4.1: 806 of 1,550,722 alleles (0.052%); highest among the groups gnomAD compares: African/African-American, 0.98%; 4 homozygotes.

Submission:

CeGaT Center for Human Genetics Tuebingen
Classification: Likely benign. Last evaluated: 2023-04-01. Review status: criteria provided, single submitter. Criteria: CeGaT Center For Human Genetics Tuebingen Variant Classification Criteria Version 2. Collection method: clinical testing. Allele origin: germline. Affected: yes. Observed: 1 variant allele.
Comment: LRTM3: BP4, BS2